The following is an entry in ClinVar:

ClinVar aggregate classification (germline): Likely benign. Review status: criteria provided, multiple submitters, no conflicts (2 of 4 stars). 3 submissions from 3 submitters: Likely benign (2). 1 of the submissions does not count toward it. Last evaluated 2026-08-01.

Conditions:
Axenfeld-Rieger syndrome type 3 (RIEG3). Also called: AXENFELD-RIEGER ANOMALY WITH CARDIAC DEFECTS AND/OR SENSORINEURAL HEARING LOSS. Identifiers: Orphanet 782, MedGen C2678503, MONDO:0011233, OMIM 602482.
FOXC1-related disorder. Also called: FOXC1-related condition.

Submissions (3):

CeGaT Center for Human Genetics Tuebingen
Classification: Likely benign. Last evaluated: 2026-08-01. Review status: criteria provided, single submitter. Criteria: CeGaT Center For Human Genetics Tuebingen Variant Classification Criteria Version 2. Collection method: clinical testing. Allele origin: germline. Affected: yes. Observed: 1 variant allele.
Comment: FOXC1: BS1

Labcorp Genetics (formerly Invitae), Labcorp
Classification: Likely benign for Axenfeld-Rieger syndrome type 3. Last evaluated: 2025-12-24. Review status: criteria provided, single submitter. Criteria: Invitae Variant Classification Sherloc (09022015). Collection method: clinical testing. Allele origin: germline.

PreventionGenetics, part of Exact Sciences
Classification: Likely benign for FOXC1-related condition. Last evaluated: 2024-06-04. Review status: no assertion criteria provided. Collection method: clinical testing. Allele origin: germline. Not counted in ClinVar's aggregate classification.
Comment: This variant is classified as likely benign based on ACMG/AMP sequence variant interpretation guidelines (Richards et al. 2015 PMID: 25741868, with internal and published modifications).

NM_001453.3(FOXC1):c.1338CGG[11] (p.Gly454_Gly456dup)

Gene: FOXC1 (forkhead box C1; plus strand). Cytogenetic location: 6p25.3.
Variant type: Microsatellite.
Coding change: c.1338CGG[11] on transcript NM_001453.3 (MANE Select); 11 copies in a row of the 3-base unit CGG starting at c.1338; the reference has eight copies in a row; three copies, 9 bases duplicated.
Protein change: p.Gly454_Gly456dup.
Molecular consequence: inframe insertion.
Genome position (GRCh38, 1-based): chr6:1,611,798-1,611,806, CGGCGGCGG duplicated; duplicating any 9 consecutive bases within chr6:1,611,783-1,611,806 gives the same sequence; the position shown is the placement nearest the transcript's 3' end. VCF-style (leftmost placement, unchanged base first): chr6-1611782-A-ACGGCGGCGG. GRCh37 (hg19) VCF-style: chr6-1612017-A-ACGGCGGCGG.
Other names: c.1353_1361dup9 (NM_001453.2).
Identifiers: ClinVar variation 1618220 (VCV001618220.11), dbSNP rs398123612, ClinGen allele CA3614888.